The following is an entry in ClinVar:

NM_153240.5(NPHP3):c.1087_1090del (p.Val363fs)

Genes: NPHP3 (nephrocystin 3; minus strand), NPHP3-ACAD11 (NPHP3-ACAD11 readthrough (NMD candidate); minus strand). Cytogenetic location: 3q22.1.
Variant type: Deletion.
Coding change: c.1087_1090del on transcript NM_153240.5 (MANE Select); coding-DNA positions 1087 to 1090, 4 bases deleted (GTTA; older notation c.1087_1090delGTTA).
Protein change: p.Val363fs; shifts the reading frame from valine 363.
Molecular consequence: frameshift variant. On other transcripts: non-coding transcript variant (1).
Genome position (GRCh38, 1-based): chr3:132,713,154-132,713,157, TAAC deleted on the plus strand (GTTA on the coding strand, the reverse complement: NPHP3 is on the minus strand); deleting any 4 consecutive bases within chr3:132,713,154-132,713,160 gives the same sequence; the c. name uses the placement nearest the transcript's 3' end. VCF-style (leftmost placement, unchanged base first): chr3-132713153-ATAAC-A. GRCh37 (hg19) VCF-style: chr3-132431997-ATAAC-A.
Other names: c.1084_1087del (NM_153240.5); short protein forms V363fs.
Identifiers: ClinVar variation 659899 (VCV000659899.9), dbSNP rs1576682880, ClinGen allele CA915941588.

ClinVar aggregate classification (germline): Pathogenic/Likely pathogenic. Review status: criteria provided, multiple submitters, no conflicts (2 of 4 stars). 3 submissions from 3 submitters: Pathogenic (2); Likely pathogenic (1). Last evaluated 2025-11-08.

Conditions:
Nephronophthisis. Also called: Juvenile Nephronophthisis. Identifiers: Orphanet 655, MedGen C0687120, MONDO:0019005, HP:0000090.
NPHP3-related disorder. Also called: NPHP3-related disorders; NPHP3-related condition. Identifiers: MedGen CN379163.
Nephronophthisis 3 (NPHP3). Also called: Adolescent nephronophthisis. Identifiers: Orphanet 655, MedGen C1858392, MONDO:0011456, OMIM 604387.

Submissions (3):

Labcorp Genetics (formerly Invitae), Labcorp
Classification: Pathogenic for Nephronophthisis. Last evaluated: 2025-11-08. Review status: criteria provided, single submitter. Criteria: Invitae Variant Classification Sherloc (09022015). Collection method: clinical testing. Allele origin: germline.
Comment: This sequence change creates a premature translational stop signal (p.Val363Phefs*6) in the NPHP3 gene. It is expected to result in an absent or disrupted protein product. Loss-of-function variants in NPHP3 are known to be pathogenic (PMID: 18371931, 23559409). This variant is not present in population databases (gnomAD no frequency). This premature translational stop signal has been observed in individual(s) with NPHP3-related conditions (PMID: 29801666). This variant is also known as c.1084_1087del. ClinVar contains an entry for this variant (Variation ID: 659899). For these reasons, this variant has been classified as Pathogenic.

Blueprint Genetics
Classification: Likely pathogenic for NPHP3-related disorders. Last evaluated: 2022-06-23. Review status: criteria provided, single submitter. Criteria: ACMG Guidelines, 2015. Collection method: clinical testing. Allele origin: germline. Affected: yes. Observed: 3 variant alleles.

Molecular Biology Laboratory, Fundació Puigvert
Classification: Pathogenic for Nephronophthisis 3. Last evaluated: 2020-02-01. Review status: criteria provided, single submitter. Criteria: ACMG Guidelines, 2015. Collection method: research. Allele origin: germline. Affected: yes. Study: KidneyPanel_2020.

Literature cited by the submitters: PubMed 18371931 (cited by Labcorp Genetics (formerly Invitae), Labcorp); PubMed 23559409 (cited by Labcorp Genetics (formerly Invitae), Labcorp); PubMed 29801666 (cited by Labcorp Genetics (formerly Invitae), Labcorp); PubMed 33532864 (cited by Molecular Biology Laboratory, Fundació Puigvert).